The following is an entry in ClinVar:

NM_004274.5(AKAP6):c.1224T>G (p.Asn408Lys)

Gene: AKAP6 (A-kinase anchoring protein 6; plus strand). Cytogenetic location: 14q12.
Variant type: single nucleotide variant.
Coding change: c.1224T>G on transcript NM_004274.5 (MANE Select); coding-DNA position 1224, T replaced by G.
Protein change: p.Asn408Lys; replaces asparagine 408 with lysine.
Molecular consequence: missense variant.
Genome position (GRCh38, 1-based): chr14:32,545,877, T>G. VCF-style: chr14-32545877-T-G. GRCh37 (hg19) VCF-style: chr14-33015083-T-G.
Other names: short protein forms N408K.
Identifiers: ClinVar variation 835075 (VCV000835075.9), dbSNP rs1883175754, ClinGen allele CA389402067.
Genomic context (GRCh38, chr14:32,545,877, plus strand): 5'-ATTGCCAAAAAGAGGACTTTTTCTTAAAGAGGAAACTTTTAAGAATGATCTGAAAGGCAA[T>G]GGTGGAAAGAGGCAAATGGTTGATCTAAAGCCTGAGATGAGCAGAAGCACCCCTTCGCTA-3'
Protein context (NP_004265.3, residues 398-418): EETFKNDLKG[Asn408Lys]GGKRQMVDLK

ClinVar aggregate classification (germline): Uncertain significance (1 of 4 stars; one submission).

Submission:

Labcorp Genetics (formerly Invitae), Labcorp
Classification: Uncertain significance. Last evaluated: 2019-02-09. Review status: criteria provided, single submitter. Criteria: Invitae Variant Classification Sherloc (09022015). Collection method: clinical testing. Allele origin: germline.
Comment: In summary, the available evidence is currently insufficient to determine the role of this variant in disease. Therefore, it has been classified as a Variant of Uncertain Significance. Algorithms developed to predict the effect of missense changes on protein structure and function output the following: SIFT: "Tolerated"; PolyPhen-2: "Benign"; Align-GVGD: "Class C0". The lysine amino acid residue is found in multiple mammalian species, suggesting that this missense change does not adversely affect protein function. These predictions have not been confirmed by published functional studies and their clinical significance is uncertain. This variant has not been reported in the literature in individuals with AKAP6-related disease. This variant is not present in population databases (ExAC no frequency). This sequence change replaces asparagine with lysine at codon 408 of the AKAP6 protein (p.Asn408Lys). The asparagine residue is weakly conserved and there is a moderate physicochemical difference between asparagine and lysine.